The following is an entry in ClinVar:

ClinVar aggregate classification (germline): Uncertain significance (1 of 4 stars; one submission).

Conditions:
Primary ciliary dyskinesia. Also called: Ciliary dyskinesia. Identifiers: Orphanet 244, MedGen C0008780, MONDO:0016575, HP:0012265.

Submission:

Ambry Genetics
Classification: Uncertain significance for Primary ciliary dyskinesia. Last evaluated: 2025-12-19. Review status: criteria provided, single submitter. Criteria: Ambry Variant Classification Scheme 2023. Collection method: clinical testing. Allele origin: germline.
Comment: The p.T850I variant (also known as c.2549C>T), located in coding exon 18 of the CCDC39 gene, results from a C to T substitution at nucleotide position 2549. The threonine at codon 850 is replaced by isoleucine, an amino acid with similar properties. This amino acid position is conserved. In addition, this alteration is predicted to be tolerated by in silico analysis. Based on the available evidence, the clinical significance of this variant remains unclear.

NM_181426.2(CCDC39):c.2549C>T (p.Thr850Ile)

Genes: CCDC39 (coiled-coil domain 39 molecular ruler complex subunit; minus strand), TTC14 (tetratricopeptide repeat domain 14; plus strand). Cytogenetic location: 3q26.33.
Variant type: single nucleotide variant.
Coding change: c.2549C>T on transcript NM_181426.2 (MANE Select); coding-DNA position 2549, C replaced by T.
Protein change: p.Thr850Ile; replaces threonine 850 with isoleucine.
Molecular consequence: missense variant. On other transcripts: intron variant (1).
Genome position (GRCh38, 1-based): chr3:180,616,553, G>A on the plus strand (C>T on the coding strand, the complement: CCDC39 is on the minus strand). VCF-style: chr3-180616553-G-A. GRCh37 (hg19) VCF-style: chr3-180334341-G-A.
Other names: c.1775-827G>A (NM_001288582.2); short protein forms T850I.
Identifiers: ClinVar variation 4842223 (VCV004842223.1).